The following is an entry in ClinVar:

NM_003482.4(KMT2D):c.8696del (p.Gly2899fs)

Gene: KMT2D (lysine methyltransferase 2D; minus strand). Cytogenetic location: 12q13.12.
Variant type: Deletion.
Coding change: c.8696del on transcript NM_003482.4 (MANE Select); coding-DNA position 8696, one base deleted (G; older notation c.8696delG).
Protein change: p.Gly2899fs; shifts the reading frame from glycine 2899.
Molecular consequence: frameshift variant.
Genome position (GRCh38, 1-based): chr12:49,038,660, C deleted on the plus strand (G on the coding strand, the reverse complement: KMT2D is on the minus strand); the first of 3 consecutive C bases (chr12:49,038,660-49,038,662); deleting any one gives the same sequence. VCF-style (leftmost placement, unchanged base first): chr12-49038659-GC-G. GRCh37 (hg19) VCF-style: chr12-49432442-GC-G.
Other names: c.8696delG (NM_003482.3); short protein forms G2899fs.
Identifiers: ClinVar variation 373065 (VCV000373065.2), dbSNP rs1057518186, ClinGen allele CA16042899.
Genomic context (GRCh38, chr12:49,038,659, plus strand): 5'-TTCAGGAGCCAGTCGGTGGGGGTCCTCACTTACAGGGTAAAAACGGGGTCTCTGAGGTGG[GC>G]CCTGACCAGGAAACGGAGTGCCCCCAGGTCCCAGTCCTTTCTGTACATTGTGCCGCAGCT-3'

ClinVar aggregate classification (germline): Pathogenic (1 of 4 stars; one submission).

Submission:

GeneDx
Classification: Pathogenic. Last evaluated: 2016-10-21. Review status: criteria provided, single submitter. Criteria: GeneDx Variant Classification (06012015). Collection method: clinical testing. Allele origin: germline. Affected: yes.
Comment: The c.8696delG pathogenic variant in the KMT2D gene has not been reported previously as apathogenic variant nor as a benign variant, to our knowledge. The c.8696delG variant causes aframeshift starting with codon Glycine 2899, changes this amino acid to an Alanine residue, andcreates a premature Stop codon at position 11 of the new reading frame, denoted p.Gly2899AlafsX11.This variant is predicted to cause loss of normal protein function either through protein truncation ornonsense-mediated mRNA decay. The c.8696delG variant was not observed in approximately 6000individuals of European and African American ancestry in the NHLBI Exome Sequencing Project,indicating it is not a common benign variant in these populations. We interpret c.8696delG as apathogenic variant.